The following is an entry in ClinVar:

NM_001283009.2(RTEL1):c.1722+5G>A

Genes: RTEL1 (regulator of telomere elongation helicase 1; plus strand), RTEL1-TNFRSF6B (RTEL1-TNFRSF6B readthrough (NMD candidate); plus strand). Cytogenetic location: 20q13.33.
Variant type: single nucleotide variant.
Coding change: c.1722+5G>A on transcript NM_001283009.2 (MANE Select); 5 bases into the intron after coding-DNA position 1722, G replaced by A.
Molecular consequence: intron variant.
Genome position (GRCh38, 1-based): chr20:63,688,391, G>A. VCF-style: chr20-63688391-G-A. GRCh37 (hg19) VCF-style: chr20-62319744-G-A.
Other names: c.1053+5G>A (NM_001283010.1); c.1794+5G>A (NM_032957.5); c.1722+5G>A (NM_016434.4).
Identifiers: ClinVar variation 2179539 (VCV002179539.3), dbSNP rs1432607845, ClinGen allele CA636615463.

ClinVar aggregate classification (germline): Uncertain significance (1 of 4 stars; one submission).

Conditions:
Pulmonary fibrosis and/or bone marrow failure, Telomere-related, 3. Also called: PULMONARY FIBROSIS AND/OR BONE MARROW FAILURE SYNDROME, TELOMERE-RELATED, 3. Identifiers: Orphanet 2032, MedGen C4225346, MONDO:0014613, OMIM 616373.
Dyskeratosis congenita, autosomal recessive 5 (DKCB5). Identifiers: MedGen C3554656, MONDO:0014076, OMIM 615190.

Allele frequency attached by ClinVar (database versions not stated): gnomAD exomes below 0.00001.
gnomAD v4.1: 5 of 1,611,614 alleles (0.00031%); highest among the groups gnomAD compares: East Asian, 0.0022%; no homozygotes.

Submission:

Labcorp Genetics (formerly Invitae), Labcorp
Classification: Uncertain significance for Dyskeratosis congenita, autosomal recessive 5; Pulmonary fibrosis and/or bone marrow failure, Telomere-related, 3. Last evaluated: 2025-09-06. Review status: criteria provided, single submitter. Criteria: Invitae Variant Classification Sherloc (09022015). Collection method: clinical testing. Allele origin: germline.
Comment: This sequence change falls in intron 20 of the RTEL1 gene. It does not directly change the encoded amino acid sequence of the RTEL1 protein. It affects a nucleotide within the consensus splice site. The frequency data for this variant in the population databases is considered unreliable, as metrics indicate poor data quality at this position in the gnomAD database. This variant has not been reported in the literature in individuals affected with RTEL1-related conditions. ClinVar contains an entry for this variant (Variation ID: 2179539). Variants that disrupt the consensus splice site are a relatively common cause of aberrant splicing (PMID: 17576681, 9536098). Algorithms developed to predict the effect of sequence changes on RNA splicing suggest that this variant may disrupt the consensus splice site. In summary, the available evidence is currently insufficient to determine the role of this variant in disease. Therefore, it has been classified as a Variant of Uncertain Significance.

Literature cited by the submitters: PubMed 17576681; PubMed 9536098.